The following is an entry in ClinVar:

ClinVar aggregate classification (germline): Conflicting classifications of pathogenicity. Review status: criteria provided, conflicting classifications (1 of 4 stars). 12 submissions from 12 submitters: Uncertain significance (7); Benign (2); Likely benign (2). 1 of the submissions does not count toward it. Last evaluated 2026-02-01.

Conditions:
COL3A1-related disorder. Also called: COL3A1-related condition.
Ehlers-Danlos syndrome, type 4 (EDSVASC). Also called: Ehlers-Danlos Syndrome Type IV; Ehlers-Danlos syndrome vascular type; Ehlers Danlos syndrome, ecchymotic type; Ehlers Danlos syndrome, arterial type; Ehlers Danlos syndrome, Sack-Barabas type. Identifiers: Orphanet 286, MedGen C0268338, MONDO:0017314, OMIM 130050.
Familial thoracic aortic aneurysm and aortic dissection (TAAD). Also called: Thoracic aortic aneurysms and dissections. Identifiers: Orphanet 91387, MedGen C4707243, MONDO:0019625.

Allele frequency attached by ClinVar (database versions not stated): TOPMed 0.00003; ESP Exome Variant Server 0.00008; gnomAD 0.00013 and 0.00014; gnomAD exomes 0.00013; ExAC 0.00018.
gnomAD v4.1: 219 of 1,613,980 alleles (0.014%); highest among the groups gnomAD compares: Non-Finnish European, 0.017%; no homozygotes.

Submissions (12):

Labcorp Genetics (formerly Invitae), Labcorp
Classification: Likely benign for Ehlers-Danlos syndrome, type 4. Last evaluated: 2026-02-01. Review status: criteria provided, single submitter. Criteria: Invitae Variant Classification Sherloc (09022015). Collection method: clinical testing. Allele origin: germline.

Women's Health and Genetics/Laboratory Corporation of America, LabCorp
Classification: Uncertain significance. Last evaluated: 2025-12-26. Review status: criteria provided, single submitter. Criteria: LabCorp Variant Classification Summary - May 2015. Collection method: clinical testing. Allele origin: germline.
Comment: Variant summary: COL3A1 c.3413C>T (p.Pro1138Leu) results in a non-conservative amino acid change in the encoded protein sequence. Algorithms developed to predict the effect of missense changes on protein structure and function all suggest that this variant is likely to be disruptive. The variant allele was found at a frequency of 0.00013 in 251428 control chromosomes. This frequency is not significantly higher than estimated for disease-causing variants in COL3A1, allowing no conclusion about variant significance. To our knowledge, no occurrence of c.3413C>T in individuals affected with COL3A1-related conditions and no experimental evidence demonstrating its impact on protein function have been reported. ClinVar contains an entry for this variant (Variation ID: 404306). Based on the evidence outlined above, the variant was classified as uncertain significance.

Color Diagnostics, LLC DBA Color Health
Classification: Uncertain significance for Familial thoracic aortic aneurysm and aortic dissection. Last evaluated: 2025-12-15. Review status: criteria provided, single submitter. Criteria: ACMG Guidelines, 2015. Collection method: clinical testing. Allele origin: germline.
Comment: This missense variant replaces proline with leucine at codon 1138 of the COL3A1 protein. Computational prediction is inconclusive regarding the impact of this variant on protein structure and function. To our knowledge, functional studies have not been reported for this variant. This variant has not been reported in individuals affected with cardiovascular disorders in the literature. This variant has been identified in 55/282810 chromosomes in the general population by the Genome Aggregation Database (gnomAD). The available evidence is insufficient to determine the role of this variant in disease conclusively. Therefore, this variant is classified as a Variant of Uncertain Significance.

CeGaT Center for Human Genetics Tuebingen
Classification: Uncertain significance. Last evaluated: 2025-11-01. Review status: criteria provided, single submitter. Criteria: CeGaT Center For Human Genetics Tuebingen Variant Classification Criteria Version 2. Collection method: clinical testing. Allele origin: germline. Affected: yes. Observed: 1 variant allele.
Comment: COL3A1: PM2

GeneDx
Classification: Uncertain significance. Last evaluated: 2024-12-28. Review status: criteria provided, single submitter. Criteria: GeneDx Variant Classification Process June 2021. Collection method: clinical testing. Allele origin: germline. Affected: yes.
Comment: Has not been previously published as pathogenic or benign to our knowledge; In silico analysis supports that this missense variant has a deleterious effect on protein structure/function; Occurs in the triple helical domain at the X position in the canonical Gly-X-Y repeat; although this variant may have an effect on normal protein folding and function, missense substitution at the X position is not a common mechanism of disease (HGMD)

All of Us Research Program, National Institutes of Health
Classification: Uncertain significance for Ehlers-Danlos syndrome, type 4. Last evaluated: 2024-08-29. Review status: criteria provided, single submitter. Criteria: ACMG Guidelines, 2015. Collection method: clinical testing. Allele origin: germline. Inheritance: Autosomal dominant inheritance. Observed: 13 variant alleles, 13 heterozygotes.
Comment: This missense variant replaces proline with leucine at codon 1138 of the COL3A1 protein. Computational prediction is inconclusive regarding the impact of this variant on protein structure and function (internally defined REVEL score threshold 0.5 < inconclusive < 0.7, PMID: 27666373). To our knowledge, functional studies have not been reported for this variant. This variant has not been reported in individuals affected with cardiovascular disorders in the literature. This variant has been identified in 55/282810 chromosomes in the general population by the Genome Aggregation Database (gnomAD). The available evidence is insufficient to determine the role of this variant in disease conclusively. Therefore, this variant is classified as a Variant of Uncertain Significance.

This study involves interpretation of variants in research participants for the purpose of population health screening. Participant phenotype was not available at the time of variant classification. Additional details can be found in publication PMID: 35346344, PMCID: PMC8962531

Mayo Clinic Laboratories, Mayo Clinic
Classification: Uncertain significance. Last evaluated: 2024-08-26. Review status: criteria provided, single submitter. Criteria: ACMG Guidelines, 2015. Collection method: clinical testing. Allele origin: germline. Observed: 1 variant allele.
Comment: BS1

Ambry Genetics
Classification: Benign for Familial thoracic aortic aneurysm and aortic dissection. Last evaluated: 2024-01-23. Review status: criteria provided, single submitter. Criteria: Ambry Variant Classification Scheme 2023. Collection method: clinical testing. Allele origin: germline.

Blueprint Genetics
Classification: Likely benign. Last evaluated: 2023-12-14. Review status: criteria provided, single submitter. Criteria: ACMG Guidelines, 2015. Collection method: clinical testing. Allele origin: germline.

CHEO Genetics Diagnostic Laboratory, Children's Hospital of Eastern Ontario
Classification: Uncertain significance for Familial thoracic aortic aneurysm and aortic dissection. Last evaluated: 2023-01-03. Review status: criteria provided, single submitter. Criteria: ACMG Guidelines, 2015. Collection method: clinical testing. Allele origin: germline.

Illumina Laboratory Services, Illumina
Classification: Benign for Ehlers-Danlos syndrome, type 4. Last evaluated: 2018-01-12. Review status: criteria provided, single submitter. Criteria: ICSL Variant Classification Criteria 13 December 2019. Collection method: clinical testing. Allele origin: germline.
Comment: This variant was observed in the ICSL laboratory as part of a predisposition screen in an ostensibly healthy population. It had not been previously curated by ICSL or reported in the Human Gene Mutation Database (HGMD: prior to June 1st, 2018), and was therefore a candidate for classification through an automated scoring system. Utilizing variant allele frequency, disease prevalence and penetrance estimates, and inheritance mode, an automated score was calculated to assess if this variant is too frequent to cause the disease. Based on the score and internal cut-off values, a variant classified as benign is not then subjected to further curation. The score for this variant resulted in a classification of benign for this disease.

PreventionGenetics, part of Exact Sciences
Classification: Uncertain significance for COL3A1-related condition. Last evaluated: 2024-06-18. Review status: no assertion criteria provided. Collection method: clinical testing. Allele origin: germline. Not counted in ClinVar's aggregate classification.
Comment: The COL3A1 c.3413C>T variant is predicted to result in the amino acid substitution p.Pro1138Leu. To our knowledge, this variant has not been reported in the literature. This variant is reported in 0.039% of alleles in individuals of European (Non-Finnish) descent in gnomAD. At this time, the clinical significance of this variant is uncertain due to the absence of conclusive functional and genetic evidence.

NM_000090.4(COL3A1):c.3413C>T (p.Pro1138Leu)

Gene: COL3A1 (collagen type III alpha 1 chain; plus strand). Cytogenetic location: 2q32.2.
Variant type: single nucleotide variant.
Coding change: c.3413C>T on transcript NM_000090.4 (MANE Select); coding-DNA position 3413, C replaced by T.
Protein change: p.Pro1138Leu; replaces proline 1138 with leucine.
Molecular consequence: missense variant.
Genome position (GRCh38, 1-based): chr2:189,007,934, C>T. VCF-style: chr2-189007934-C-T. GRCh37 (hg19) VCF-style: chr2-189872660-C-T.
Other names: p.Pro1138Leu; short protein forms P1138L.
Identifiers: ClinVar variation 404306 (VCV000404306.39), dbSNP rs201880122, ClinGen allele CA076082.
Genomic context (GRCh38, chr2:189,007,934, plus strand): 5'-TTTCTTTCCAGGGCCCTGCTGGTCAGCAGGGTGCAATCGGCAGTCCAGGACCTGCAGGCC[C>T]CAGAGTAAGTAGCACAGAAAGATATTACAGGTCCACATGTTTCAGATGTCTGCATTTCAG-3'
Protein context (NP_000081.2, residues 1128-1148): GAIGSPGPAG[Pro1138Leu]RGPVGPSGPP